The following is an entry in ClinVar:

ClinVar aggregate classification (germline): Benign. Review status: criteria provided, multiple submitters, no conflicts (2 of 4 stars). 2 submissions from 2 submitters: Benign (2). Last evaluated 2018-01-12.

Conditions:
Encephalopathy-hypertrophic cardiomyopathy-renal tubular disease syndrome. Identifiers: Orphanet 319678, MedGen C3553374, MONDO:0013840, OMIM 614654.

Allele frequency attached by ClinVar (database versions not stated): gnomAD exomes 0.96949; gnomAD 0.97315 and 0.97466; TOPMed 0.97485; 1000 Genomes Project 30x 0.99219; 1000 Genomes Project 0.99261.
gnomAD v4.1: 441,585 of 454,760 alleles (97%); highest among the groups gnomAD compares: East Asian, 100%; 214,485 homozygotes.

Submissions (2):

Illumina Laboratory Services, Illumina
Classification: Benign for Encephalopathy-hypertrophic cardiomyopathy-renal tubular disease syndrome. Last evaluated: 2018-01-12. Review status: criteria provided, single submitter. Criteria: ICSL Variant Classification Criteria 13 December 2019. Collection method: clinical testing. Allele origin: germline.
Comment: This variant was observed in the ICSL laboratory as part of a predisposition screen in an ostensibly healthy population. It had not been previously curated by ICSL or reported in the Human Gene Mutation Database (HGMD: prior to June 1st, 2018), and was therefore a candidate for classification through an automated scoring system. Utilizing variant allele frequency, disease prevalence and penetrance estimates, and inheritance mode, an automated score was calculated to assess if this variant is too frequent to cause the disease. Based on the score and internal cut-off values, a variant classified as benign is not then subjected to further curation. The score for this variant resulted in a classification of benign for this disease.

Breakthrough Genomics
Classification: Benign. Review status: criteria provided, single submitter. Criteria: ACMG Guidelines, 2015. Collection method: not provided. Allele origin: germline. Inheritance: Autosomal recessive inheritance. Affected: yes.

NM_020312.4(COQ9):c.*490T>C

Gene: COQ9 (coenzyme Q9; plus strand). Cytogenetic location: 16q21.
Variant type: single nucleotide variant.
Coding change: c.*490T>C on transcript NM_020312.4 (MANE Select); 490 bases downstream of the stop codon, T replaced by C.
Molecular consequence: 3 prime UTR variant.
Genome position (GRCh38, 1-based): chr16:57,461,114, T>C. VCF-style: chr16-57461114-T-C. GRCh37 (hg19) VCF-style: chr16-57495026-T-C.
Identifiers: ClinVar variation 320015 (VCV000320015.6), dbSNP rs223870, ClinGen allele CA10638114.
Genomic context (GRCh38, chr16:57,461,114, plus strand): 5'-GCGTGTGCACACAGAGGTGTTCCTTGCAGCCCCCTCCCTCTCAGGTGTCCTGAGATGCTG[T>C]TCCTGGGAGCCCCCTCAGAAAACTGCCTCACCTGAGACAAGTGCCTGCTGGACAGAGGTG-3'